The following is an entry in ClinVar:

ClinVar aggregate classification (germline): Uncertain significance (1 of 4 stars; one submission).

Conditions:
Facioscapulohumeral muscular dystrophy 2 (FSHD2). Also called: MUSCULAR DYSTROPHY, FACIOSCAPULOHUMERAL, TYPE 1B; FACIOSCAPULOHUMERAL MUSCULAR DYSTROPHY 2, DIGENIC; FSHD2, DIGENIC. Identifiers: Orphanet 269, MedGen C1834671, MONDO:0008031, OMIM 158901.

Submission:

Labcorp Genetics (formerly Invitae), Labcorp
Classification: Uncertain significance for Facioscapulohumeral muscular dystrophy 2. Last evaluated: 2025-10-23. Review status: criteria provided, single submitter. Criteria: Invitae Variant Classification Sherloc (09022015). Collection method: clinical testing. Allele origin: germline.
Comment: This sequence change replaces phenylalanine, which is neutral and non-polar, with cysteine, which is neutral and slightly polar, at codon 826 of the SMCHD1 protein (p.Phe826Cys). This variant is not present in population databases (gnomAD no frequency). This variant has not been reported in the literature in individuals affected with SMCHD1-related conditions. Invitae Evidence Modeling of protein sequence and biophysical properties (such as structural, functional, and spatial information, amino acid conservation, physicochemical variation, residue mobility, and thermodynamic stability) indicates that this missense variant is expected to disrupt SMCHD1 protein function with a positive predictive value of 80%. In summary, the available evidence is currently insufficient to determine the role of this variant in disease. Therefore, it has been classified as a Variant of Uncertain Significance.

NM_015295.3(SMCHD1):c.2477T>G (p.Phe826Cys)

Gene: SMCHD1 (structural maintenance of chromosomes flexible hinge domain containing 1; plus strand). Cytogenetic location: 18p11.32.
Variant type: single nucleotide variant.
Coding change: c.2477T>G on transcript NM_015295.3 (MANE Select); coding-DNA position 2477, T replaced by G.
Protein change: p.Phe826Cys; replaces phenylalanine 826 with cysteine.
Molecular consequence: missense variant.
Genome position (GRCh38, 1-based): chr18:2,722,537, T>G. VCF-style: chr18-2722537-T-G. GRCh37 (hg19) VCF-style: chr18-2722535-T-G.
Other names: short protein forms F826C.
Identifiers: ClinVar variation 4740805 (VCV004740805.1).